The following is an entry in ClinVar:

NM_003073.5(SMARCB1):c.14C>T (p.Ala5Val)

Gene: SMARCB1 (SWI/SNF related BAF chromatin remodeling complex subunit B1; plus strand). Cytogenetic location: 22q11.23.
Variant type: single nucleotide variant.
Coding change: c.14C>T on transcript NM_003073.5 (MANE Select); coding-DNA position 14, C replaced by T.
Protein change: p.Ala5Val; replaces alanine 5 with valine.
Molecular consequence: missense variant.
Genome position (GRCh38, 1-based): chr22:23,787,183, C>T. VCF-style: chr22-23787183-C-T. GRCh37 (hg19) VCF-style: chr22-24129370-C-T.
Other names: c.14C>T (LRG_520t1); c.14C>T, p.Ala5Val (NM_001007468.3, NM_001317946.2, NM_001362877.2); short protein forms A5V.
Identifiers: ClinVar variation 577312 (VCV000577312.10), dbSNP rs1568933235, ClinGen allele CA410930454.

ClinVar aggregate classification (germline): Uncertain significance. Review status: criteria provided, multiple submitters, no conflicts (2 of 4 stars). 2 submissions from 2 submitters: Uncertain significance (2). Last evaluated 2024-06-04.

Conditions:
Hereditary cancer-predisposing syndrome. Also called: Tumor predisposition; Hereditary neoplastic syndrome; Hereditary Cancer Syndrome; Neoplastic Syndromes, Hereditary. Identifiers: Orphanet 140162, MedGen C0027672, MeSH D009386, MONDO:0015356.

Allele frequency attached by ClinVar (database versions not stated): gnomAD exomes below 0.00001.
gnomAD v4.1: 1 of 1,607,440 alleles (0.000062%); highest among the groups gnomAD compares: African/African-American, 0.0013%; no homozygotes.

Submissions (2):

Ambry Genetics
Classification: Uncertain significance for Hereditary cancer-predisposing syndrome. Last evaluated: 2024-06-04. Review status: criteria provided, single submitter. Criteria: Ambry Variant Classification Scheme 2023. Collection method: clinical testing. Allele origin: germline.
Comment: The p.A5V variant (also known as c.14C>T), located in coding exon 1 of the SMARCB1 gene, results from a C to T substitution at nucleotide position 14. The alanine at codon 5 is replaced by valine, an amino acid with similar properties. This amino acid position is highly conserved in available vertebrate species. In addition, the in silico prediction for this alteration is inconclusive. Based on the available evidence, the clinical significance of this variant remains unclear.

Labcorp Genetics (formerly Invitae), Labcorp
Classification: Uncertain significance. Last evaluated: 2021-04-03. Review status: criteria provided, single submitter. Criteria: Invitae Variant Classification Sherloc (09022015). Collection method: clinical testing. Allele origin: germline.
Comment: This sequence change replaces alanine with valine at codon 5 of the SMARCB1 protein (p.Ala5Val). The alanine residue is moderately conserved and there is a small physicochemical difference between alanine and valine. In summary, the available evidence is currently insufficient to determine the role of this variant in disease. Therefore, it has been classified as a Variant of Uncertain Significance. Algorithms developed to predict the effect of missense changes on protein structure and function (SIFT, PolyPhen-2, Align-GVGD) all suggest that this variant is likely to be tolerated, but these predictions have not been confirmed by published functional studies and their clinical significance is uncertain. This variant has not been reported in the literature in individuals with SMARCB1-related disease. This variant is not present in population databases (ExAC no frequency).